The following is an entry in ClinVar:

NM_000541.5(SAG):c.565G>A (p.Gly189Ser)

Gene: SAG (S-antigen visual arrestin; plus strand). Cytogenetic location: 2q37.1.
Variant type: single nucleotide variant.
Coding change: c.565G>A on transcript NM_000541.5 (MANE Select); coding-DNA position 565, G replaced by A.
Protein change: p.Gly189Ser; replaces glycine 189 with serine.
Molecular consequence: missense variant.
Genome position (GRCh38, 1-based): chr2:233,328,530, G>A. VCF-style: chr2-233328530-G-A. GRCh37 (hg19) VCF-style: chr2-234237176-G-A.
Other names: c.565G>A (NM_000541.4); short protein forms G189S.
Identifiers: ClinVar variation 1042827 (VCV001042827.10), dbSNP rs761804229, ClinGen allele CA67548214.

ClinVar aggregate classification (germline): Uncertain significance. Review status: criteria provided, multiple submitters, no conflicts (2 of 4 stars). 3 submissions from 3 submitters: Uncertain significance (3). Last evaluated 2025-12-03.

Conditions:
Inborn genetic diseases. Identifiers: MedGen C0950123, MeSH D030342.

Allele frequency attached by ClinVar (database versions not stated): gnomAD exomes below 0.00001 and 0.00003; gnomAD 0.00001; TOPMed 0.00002.
gnomAD v4.1: 38 of 1,613,776 alleles (0.0024%); highest among the groups gnomAD compares: Non-Finnish European, 0.0032%; no homozygotes.

Submissions (3):

Ambry Genetics
Classification: Uncertain significance for Inborn genetic diseases. Last evaluated: 2025-12-03. Review status: criteria provided, single submitter. Criteria: Ambry Variant Classification Scheme 2023. Collection method: clinical testing. Allele origin: germline.

Labcorp Genetics (formerly Invitae), Labcorp
Classification: Uncertain significance. Last evaluated: 2024-04-05. Review status: criteria provided, single submitter. Criteria: Invitae Variant Classification Sherloc (09022015). Collection method: clinical testing. Allele origin: germline.
Comment: This sequence change replaces glycine, which is neutral and non-polar, with serine, which is neutral and polar, at codon 189 of the SAG protein (p.Gly189Ser). This variant is present in population databases (rs761804229, gnomAD 0.0009%). This variant has not been reported in the literature in individuals affected with SAG-related conditions. ClinVar contains an entry for this variant (Variation ID: 1042827). Advanced modeling of protein sequence and biophysical properties (such as structural, functional, and spatial information, amino acid conservation, physicochemical variation, residue mobility, and thermodynamic stability) performed at Invitae indicates that this missense variant is not expected to disrupt SAG protein function with a negative predictive value of 80%. In summary, the available evidence is currently insufficient to determine the role of this variant in disease. Therefore, it has been classified as a Variant of Uncertain Significance.

Blueprint Genetics
Classification: Uncertain significance. Last evaluated: 2022-09-29. Review status: criteria provided, single submitter. Criteria: ACMG Guidelines, 2015. Collection method: clinical testing. Allele origin: germline.